The following is an entry in ClinVar:

ClinVar aggregate classification (germline): Pathogenic (1 of 4 stars; one submission).

Conditions:
COG4-congenital disorder of glycosylation. Also called: CONGENITAL DISORDER OF GLYCOSYLATION, TYPE IIj; CDG IIj; COG4-CDG. Identifiers: Orphanet 263501, MedGen C4303552, MONDO:0013281, OMIM 613489.

Submission:

The Laboratory of Genetics and Metabolism, Hunan Children’s Hospital
Classification: Pathogenic for COG4-congenital disorder of glycosylation. Last evaluated: 2021-03-06. Review status: criteria provided, single submitter. Criteria: ACMG Guidelines, 2015. Collection method: research. Allele origin: paternal. Affected: yes. Observed: 1 variant allele.
Comment: In compound heterozygosity following autosomal recessive inheritance.

Literature cited by the submitters: PubMed 34298581.

NM_015386.3(COG4):c.1255G>T (p.Glu419Ter)

Gene: COG4 (component of oligomeric golgi complex 4; minus strand). Cytogenetic location: 16q22.1.
Variant type: single nucleotide variant.
Coding change: c.1255G>T on transcript NM_015386.3 (MANE Select); coding-DNA position 1255, G replaced by T.
Protein change: p.Glu419Ter; replaces glutamic acid 419 with a stop codon.
Molecular consequence: nonsense. On other transcripts: non-coding transcript variant (1).
Genome position (GRCh38, 1-based): chr16:70,497,996, C>A on the plus strand (G>T on the coding strand, the complement: COG4 is on the minus strand). VCF-style: chr16-70497996-C-A. GRCh37 (hg19) VCF-style: chr16-70531899-C-A.
Other names: c.1243G>T, p.Glu415Ter (NM_001195139.2); c.829G>T, p.Glu277Ter (NM_001365426.1); short protein forms E277*, E415*, E419*.
Identifiers: ClinVar variation 1172782 (VCV001172782.2), dbSNP rs2151749755, ClinGen allele CA396574049.